The following is an entry in ClinVar:

NM_144670.6(A2ML1):c.3611A>G (p.Gln1204Arg)

Gene: A2ML1 (alpha-2-macroglobulin like 1; plus strand). Cytogenetic location: 12p13.31.
Variant type: single nucleotide variant.
Coding change: c.3611A>G on transcript NM_144670.6 (MANE Select); coding-DNA position 3611, A replaced by G.
Protein change: p.Gln1204Arg; replaces glutamine 1204 with arginine.
Molecular consequence: missense variant.
Genome position (GRCh38, 1-based): chr12:8,863,902, A>G. VCF-style: chr12-8863902-A-G. GRCh37 (hg19) VCF-style: chr12-9016498-A-G.
Other names: c.2138A>G, p.Gln713Arg (NM_001282424.3); short protein forms Q713R, Q1204R.
Identifiers: ClinVar variation 5034125 (VCV005034125.1).

ClinVar aggregate classification (germline): Uncertain significance (1 of 4 stars; one submission).

Submission:

Ambry Genetics
Classification: Uncertain significance. Last evaluated: 2026-06-22. Review status: criteria provided, single submitter. Criteria: Ambry Variant Classification Scheme 2023. Collection method: clinical testing. Allele origin: germline.
Comment: The p.Q1204R variant (also known as c.3611A>G), located in coding exon 29 of the A2ML1 gene, results from an A to G substitution at nucleotide position 3611. The glutamine at codon 1204 is replaced by arginine, an amino acid with highly similar properties. This amino acid position is conserved. In addition, this alteration is predicted to be tolerated by in silico analysis. Based on the available evidence, the clinical significance of this variant remains unclear.